The following is an entry in ClinVar:

NM_002591.4(PCK1):c.524G>A (p.Arg175Gln)

Gene: PCK1 (phosphoenolpyruvate carboxykinase 1; plus strand). Cytogenetic location: 20q13.31.
Variant type: single nucleotide variant.
Coding change: c.524G>A on transcript NM_002591.4 (MANE Select); coding-DNA position 524, G replaced by A.
Protein change: p.Arg175Gln; replaces arginine 175 with glutamine.
Molecular consequence: missense variant.
Genome position (GRCh38, 1-based): chr20:57,562,813, G>A. VCF-style: chr20-57562813-G-A. GRCh37 (hg19) VCF-style: chr20-56137869-G-A.
Other names: short protein forms R175Q.
Identifiers: ClinVar variation 1368065 (VCV001368065.5), dbSNP rs761566552, ClinGen allele CA9922048.

ClinVar aggregate classification (germline): Uncertain significance (1 of 4 stars; one submission).

Allele frequency attached by ClinVar (database versions not stated): TOPMed 0.00002.
gnomAD v4.1: 39 of 1,614,080 alleles (0.0024%); highest among the groups gnomAD compares: Middle Eastern, 0.033%; no homozygotes.

Submission:

Labcorp Genetics (formerly Invitae), Labcorp
Classification: Uncertain significance. Last evaluated: 2022-03-22. Review status: criteria provided, single submitter. Criteria: Invitae Variant Classification Sherloc (09022015). Collection method: clinical testing. Allele origin: germline.
Comment: This sequence change replaces arginine, which is basic and polar, with glutamine, which is neutral and polar, at codon 175 of the PCK1 protein (p.Arg175Gln). This variant is present in population databases (rs761566552, gnomAD 0.01%). This variant has not been reported in the literature in individuals affected with PCK1-related conditions. Algorithms developed to predict the effect of missense changes on protein structure and function (SIFT, PolyPhen-2, Align-GVGD) all suggest that this variant is likely to be disruptive. Algorithms developed to predict the effect of sequence changes on RNA splicing suggest that this variant may create or strengthen a splice site. In summary, the available evidence is currently insufficient to determine the role of this variant in disease. Therefore, it has been classified as a Variant of Uncertain Significance.